The following is an entry in ClinVar:

ClinVar aggregate classification (germline): Uncertain significance (1 of 4 stars; one submission).

gnomAD v4.1: 7 of 1,208,738 alleles (0.00058%); highest among the groups gnomAD compares: Non-Finnish European, 0.00078%; no homozygotes.

Submission:

Labcorp Genetics (formerly Invitae), Labcorp
Classification: Uncertain significance. Last evaluated: 2025-08-29. Review status: criteria provided, single submitter. Criteria: Invitae Variant Classification Sherloc (09022015). Collection method: clinical testing. Allele origin: germline.
Comment: This sequence change affects codon 734 of the CACNA1F mRNA. It is a 'silent' change, meaning that it does not change the encoded amino acid sequence of the CACNA1F protein. This variant is not present in population databases (gnomAD no frequency). This variant has not been reported in the literature in individuals affected with CACNA1F-related conditions. Algorithms developed to predict the effect of sequence changes on RNA splicing suggest that this variant may disrupt the consensus splice site. In summary, the available evidence is currently insufficient to determine the role of this variant in disease. Therefore, it has been classified as a Variant of Uncertain Significance.

NM_001256789.3(CACNA1F):c.2169G>A (p.Val723=)

Gene: CACNA1F (calcium voltage-gated channel subunit alpha1 F; minus strand). Cytogenetic location: Xp11.23.
Variant type: single nucleotide variant.
Coding change: c.2169G>A on transcript NM_001256789.3 (MANE Select); coding-DNA position 2169, G replaced by A.
Protein change: p.Val723=; no amino-acid change (valine 723 retained).
Molecular consequence: synonymous variant.
Genome position (GRCh38, 1-based): chrX:49,222,755, C>T on the plus strand (G>A on the coding strand, the complement: CACNA1F is on the minus strand). VCF-style: chrX-49222755-C-T. GRCh37 (hg19) VCF-style: chrX-49079214-C-T.
Other names: c.2007G>A, p.Val669= (NM_001256790.3); c.2202G>A, p.Val734= (NM_005183.4).
Identifiers: ClinVar variation 4778692 (VCV004778692.1).